The following is an entry in ClinVar:

NM_014714.4(IFT140):c.1593G>T (p.Gly531=)

Gene: IFT140 (intraflagellar transport 140; minus strand). Cytogenetic location: 16p13.3.
Variant type: single nucleotide variant.
Coding change: c.1593G>T on transcript NM_014714.4 (MANE Select); coding-DNA position 1593, G replaced by T.
Protein change: p.Gly531=; no amino-acid change (glycine 531 retained).
Molecular consequence: synonymous variant.
Genome position (GRCh38, 1-based): chr16:1,571,466, C>A on the plus strand (G>T on the coding strand, the complement: IFT140 is on the minus strand). VCF-style: chr16-1571466-C-A. GRCh37 (hg19) VCF-style: chr16-1621467-C-A.
Identifiers: ClinVar variation 766906 (VCV000766906.18), dbSNP rs143491016, ClinGen allele CA7814216.

ClinVar aggregate classification (germline): Conflicting classifications of pathogenicity. Review status: criteria provided, conflicting classifications (1 of 4 stars). 4 submissions from 4 submitters: Uncertain significance (2); Likely benign (2). Last evaluated 2026-01-28.

Conditions:
Saldino-Mainzer syndrome (SRTD9). Also called: CONORENAL SYNDROME; short-rib thoracic dysplasia 9 with or without polydactyly; Renal dysplasia, retinal pigmentary dystrophy, cerebellar ataxia and skeletal dysplasia; SHORT-RIB THORACIC DYSPLASIA 9 WITHOUT POLYDACTYLY. Identifiers: Orphanet 140969, MedGen C1849437, MONDO:0009964, OMIM 266920.

Allele frequency attached by ClinVar (database versions not stated): TOPMed 0.00028; 1000 Genomes Project 30x 0.00031; ESP Exome Variant Server 0.00031; gnomAD exomes 0.00039; 1000 Genomes Project 0.00040; gnomAD 0.00047 and 0.00048; ExAC 0.00049.
gnomAD v4.1: 1,084 of 1,614,104 alleles (0.067%); highest among the groups gnomAD compares: Non-Finnish European, 0.078%; 2 homozygotes.

Submissions (5):

Labcorp Genetics (formerly Invitae), Labcorp
Classification: Likely benign for Saldino-Mainzer syndrome. Last evaluated: 2026-01-28. Review status: criteria provided, single submitter. Criteria: Invitae Variant Classification Sherloc (09022015). Collection method: clinical testing. Allele origin: germline.

Blueprint Genetics
Classification: Likely benign. Last evaluated: 2024-06-26. Review status: criteria provided, single submitter. Criteria: ACMG Guidelines, 2015. Collection method: clinical testing. Allele origin: germline.

GeneDx
Classification: Uncertain significance. Last evaluated: 2022-12-14. Review status: criteria provided, single submitter. Criteria: GeneDx Variant Classification Process June 2021. Collection method: clinical testing. Allele origin: germline. Affected: yes.
Comment: Has not been previously published as pathogenic or benign to our knowledge; In silico analysis suggests this variant may impact gene splicing. In the absence of RNA/functional studies, the actual effect of this sequence change is unknown.

Illumina Laboratory Services, Illumina
Classification: Uncertain significance for Saldino-Mainzer syndrome. Last evaluated: 2018-01-13. Review status: criteria provided, single submitter. Criteria: ICSL Variant Classification Criteria 13 December 2019. Collection method: clinical testing. Allele origin: germline.

Dr. Peter K. Rogan Lab, Western University
No classification provided (evidence only). Condition: Familial cancer of breast. Review status: no classification provided. Collection method: in vitro. Allele origin: not applicable. Functional consequence: retained intron. Not counted in ClinVar's aggregate classification.